The following is an entry in ClinVar:

ClinVar aggregate classification (germline): Uncertain significance (1 of 4 stars; one submission).

Submission:

GeneDx
Classification: Uncertain significance. Last evaluated: 2025-06-16. Review status: criteria provided, single submitter. Criteria: GeneDx Variant Classification Process June 2021. Collection method: clinical testing. Allele origin: germline. Affected: yes.
Comment: Not observed at significant frequency in large population cohorts (gnomAD); In silico analysis supports that this missense variant has a deleterious effect on protein structure/function; Has not been previously published as pathogenic or benign to our knowledge

NM_012281.3(KCND2):c.1202C>T (p.Pro401Leu)

Gene: KCND2 (potassium voltage-gated channel subfamily D member 2; plus strand). Cytogenetic location: 7q31.31.
Variant type: single nucleotide variant.
Coding change: c.1202C>T on transcript NM_012281.3 (MANE Select); coding-DNA position 1202, C replaced by T.
Protein change: p.Pro401Leu; replaces proline 401 with leucine.
Molecular consequence: missense variant.
Genome position (GRCh38, 1-based): chr7:120,732,989, C>T. VCF-style: chr7-120732989-C-T. GRCh37 (hg19) VCF-style: chr7-120373043-C-T.
Other names: short protein forms P401L.
Identifiers: ClinVar variation 4538629 (VCV004538629.1).